The following is an entry in ClinVar:

NM_020693.4(DSCAML1):c.3959C>T (p.Ala1320Val)

Gene: DSCAML1 (DS cell adhesion molecule like 1; minus strand). Cytogenetic location: 11q23.3.
Variant type: single nucleotide variant.
Coding change: c.3959C>T on transcript NM_020693.4 (MANE Select); coding-DNA position 3959, C replaced by T.
Protein change: p.Ala1320Val; replaces alanine 1320 with valine.
Molecular consequence: missense variant.
Genome position (GRCh38, 1-based): chr11:117,439,840, G>A on the plus strand (C>T on the coding strand, the complement: DSCAML1 is on the minus strand). VCF-style: chr11-117439840-G-A. GRCh37 (hg19) VCF-style: chr11-117310556-G-A.
Other names: short protein forms A1320V.
Identifiers: ClinVar variation 2973299 (VCV002973299.3), dbSNP rs944224166, ClinGen allele CA229404430.
Genomic context (GRCh38, chr11:117,439,840, plus strand): 5'-TTTGGGGCCACCCCATCCCTCCACTGTCCCGACACACACCTGTCCTTGGTCCACTTCACA[G>A]CAGGGGCTGGATCTCCCACTGAATTGCAAGGCAGCCGAACATCTTTCATCCAAGGTGTTG-3'
Protein context (NP_065744.3, residues 1310-1330): PCNSVGDPAP[Ala1320Val]VKWTKDSEDS

ClinVar aggregate classification (germline): Uncertain significance (1 of 4 stars; one submission).

Allele frequency attached by ClinVar (database versions not stated): gnomAD exomes below 0.00001; gnomAD 0.00001.
gnomAD v4.1: 3 of 1,614,042 alleles (0.00019%); highest among the groups gnomAD compares: Non-Finnish European, 0.00025%; no homozygotes.

Submission:

Labcorp Genetics (formerly Invitae), Labcorp
Classification: Uncertain significance. Last evaluated: 2023-09-10. Review status: criteria provided, single submitter. Criteria: Invitae Variant Classification Sherloc (09022015). Collection method: clinical testing. Allele origin: germline.
Comment: This sequence change replaces alanine, which is neutral and non-polar, with valine, which is neutral and non-polar, at codon 1380 of the DSCAML1 protein (p.Ala1380Val). In summary, the available evidence is currently insufficient to determine the role of this variant in disease. Therefore, it has been classified as a Variant of Uncertain Significance. An algorithm developed to predict the effect of missense changes on protein structure and function (PolyPhen-2) suggests that this variant is likely to be tolerated. This variant has not been reported in the literature in individuals affected with DSCAML1-related conditions. This variant is not present in population databases (gnomAD no frequency).